The following is an entry in ClinVar:

NM_006019.4(TCIRG1):c.1546A>T (p.Ile516Phe)

Gene: TCIRG1 (T cell immune regulator 1, ATPase H+ transporting V0 subunit a3; plus strand). Cytogenetic location: 11q13.2.
Variant type: single nucleotide variant.
Coding change: c.1546A>T on transcript NM_006019.4 (MANE Select); coding-DNA position 1546, A replaced by T.
Protein change: p.Ile516Phe; replaces isoleucine 516 with phenylalanine.
Molecular consequence: missense variant.
Genome position (GRCh38, 1-based): chr11:68,047,964, A>T. VCF-style: chr11-68047964-A-T. GRCh37 (hg19) VCF-style: chr11-67815431-A-T.
Other names: c.652A>T, p.Ile218Phe (NM_001351059.2); c.898A>T, p.Ile300Phe (NM_006053.4); short protein forms I300F, I218F, I516F.
Identifiers: ClinVar variation 2106847 (VCV002106847.2), dbSNP rs2495649698, ClinGen allele CA381584661.

ClinVar aggregate classification (germline): Uncertain significance (1 of 4 stars; one submission).

Allele frequency attached by ClinVar (database versions not stated): gnomAD exomes below 0.00001.
gnomAD v4.1: 1 of 1,613,652 alleles (0.000062%); highest among the groups gnomAD compares: Non-Finnish European, 0.000085%; no homozygotes.

Submission:

Labcorp Genetics (formerly Invitae), Labcorp
Classification: Uncertain significance. Last evaluated: 2025-07-21. Review status: criteria provided, single submitter. Criteria: Invitae Variant Classification Sherloc (09022015). Collection method: clinical testing. Allele origin: germline.
Comment: This sequence change replaces isoleucine, which is neutral and non-polar, with phenylalanine, which is neutral and non-polar, at codon 516 of the TCIRG1 protein (p.Ile516Phe). This variant is not present in population databases (gnomAD no frequency). This variant has not been reported in the literature in individuals affected with TCIRG1-related conditions. ClinVar contains an entry for this variant (Variation ID: 2106847). Invitae Evidence Modeling of protein sequence and biophysical properties (such as structural, functional, and spatial information, amino acid conservation, physicochemical variation, residue mobility, and thermodynamic stability) indicates that this missense variant is not expected to disrupt TCIRG1 protein function with a negative predictive value of 80%. In summary, the available evidence is currently insufficient to determine the role of this variant in disease. Therefore, it has been classified as a Variant of Uncertain Significance.